The following is an entry in ClinVar:

NM_004320.6(ATP2A1):c.2100+37C>T

Gene: ATP2A1 (ATPase sarcoplasmic/endoplasmic reticulum Ca2+ transporting 1; plus strand). Cytogenetic location: 16p11.2.
Variant type: single nucleotide variant.
Coding change: c.2100+37C>T on transcript NM_004320.6 (MANE Select); 37 bases into the intron after coding-DNA position 2100, C replaced by T.
Molecular consequence: intron variant.
Genome position (GRCh38, 1-based): chr16:28,900,953, C>T. VCF-style: chr16-28900953-C-T. GRCh37 (hg19) VCF-style: chr16-28912274-C-T.
Other names: c.2100+37C>T (NM_173201.5); c.1725+37C>T (NM_001286075.2).
Identifiers: ClinVar variation 680129 (VCV000680129.1), dbSNP rs138101297, ClinGen allele CA7987170.

ClinVar aggregate classification (germline): Likely benign (1 of 4 stars; one submission).

Allele frequency attached by ClinVar (database versions not stated): 1000 Genomes Project 0.00280; 1000 Genomes Project 30x 0.00312; TOPMed 0.00616; ESP Exome Variant Server 0.00654; gnomAD 0.00849 and 0.00876; gnomAD exomes 0.00960 and 0.01120; ExAC 0.01071.
gnomAD v4.1: 17,472 of 1,610,962 alleles (1.1%); highest among the groups gnomAD compares: Non-Finnish European, 1.2%; 138 homozygotes.

Submission:

GeneDx
Classification: Likely benign. Last evaluated: 2018-06-16. Review status: criteria provided, single submitter. Criteria: GeneDx Variant Classification (06012015). Collection method: clinical testing. Allele origin: germline. Affected: yes.
Comment: This variant is considered likely benign or benign based on one or more of the following criteria: it is a conservative change, it occurs at a poorly conserved position in the protein, it is predicted to be benign by multiple in silico algorithms, and/or has population frequency not consistent with disease.